The following is an entry in ClinVar:

ClinVar aggregate classification (germline): Uncertain significance. Review status: criteria provided, multiple submitters, no conflicts (2 of 4 stars). 2 submissions from 2 submitters: Uncertain significance (2). Last evaluated 2025-07-30.

Conditions:
Autosomal recessive ataxia, Beauce type. Also called: Spinocerebellar ataxia, autosomal recessive 8; ATAXIA, RECESSIVE, OF BEAUCE; SYNE1 Deficiency; SYNE1-Related Autosomal Recessive Cerebellar Ataxia. Identifiers: Orphanet 88644, MedGen C1853116, MONDO:0012549, OMIM 610743.
Emery-Dreifuss muscular dystrophy 4, autosomal dominant (EDMD4). Also called: EMERY-DREIFUSS MUSCULAR DYSTROPHY 4 WITH VARIABLE FEATURES. Identifiers: Orphanet 261, MedGen C2751807, MONDO:0013071, OMIM 612998.

Allele frequency attached by ClinVar (database versions not stated): ExAC 0.00001; gnomAD exomes 0.00002.

Submissions (2):

Labcorp Genetics (formerly Invitae), Labcorp
Classification: Uncertain significance for Emery-Dreifuss muscular dystrophy 4, autosomal dominant; Autosomal recessive ataxia, Beauce type. Last evaluated: 2025-07-30. Review status: criteria provided, single submitter. Criteria: Invitae Variant Classification Sherloc (09022015). Collection method: clinical testing. Allele origin: germline.
Comment: This sequence change affects the initiator codon of the SYNE1 mRNA. This change may impact translation initiation or efficiency. The next in-frame methionine is located at codon 18. This variant is present in population databases (rs769726483, gnomAD 0.01%). This variant has not been reported in the literature in individuals affected with SYNE1-related conditions. ClinVar contains an entry for this variant (Variation ID: 1311041). Experimental studies and prediction algorithms are not available or were not evaluated, and the functional significance of this variant is currently unknown. In summary, the available evidence is currently insufficient to determine the role of this variant in disease. Therefore, it has been classified as a Variant of Uncertain Significance.

GeneDx
Classification: Uncertain significance. Last evaluated: 2019-12-02. Review status: criteria provided, single submitter. Criteria: GeneDx Variant Classification Process June 2021. Collection method: clinical testing. Allele origin: germline. Affected: yes.
Comment: Initiation codon variant in a gene for which loss-of-function is a known mechanism of disease; Has not been previously published as pathogenic or benign to our knowledge

NM_182961.4(SYNE1):c.2T>C (p.Met1Thr)

Gene: SYNE1 (spectrin repeat containing nuclear envelope protein 1; minus strand). Cytogenetic location: 6q25.2.
Variant type: single nucleotide variant.
Coding change: c.2T>C on transcript NM_182961.4 (MANE Select); coding-DNA position 2, T replaced by C.
Protein change: p.Met1Thr; changes the start codon (methionine 1).
Molecular consequence: missense variant, initiator codon variant.
Genome position (GRCh38, 1-based): chr6:152,628,330, A>G on the plus strand (T>C on the coding strand, the complement: SYNE1 is on the minus strand). VCF-style: chr6-152628330-A-G. GRCh37 (hg19) VCF-style: chr6-152949465-A-G.
Other names: c.2T>C, p.Met1Thr (NM_033071.5); short protein forms M1T.
Identifiers: ClinVar variation 1311041 (VCV001311041.6), dbSNP rs769726483, ClinGen allele CA4059923.